The following is an entry in ClinVar:

NM_006642.5(SDCCAG8):c.47A>G (p.Gln16Arg)

Gene: SDCCAG8 (SHH signaling and ciliogenesis regulator SDCCAG8; plus strand). Cytogenetic location: 1q43.
Variant type: single nucleotide variant.
Coding change: c.47A>G on transcript NM_006642.5 (MANE Select); coding-DNA position 47, A replaced by G.
Protein change: p.Gln16Arg; replaces glutamine 16 with arginine.
Molecular consequence: missense variant. On other transcripts: 5 prime UTR variant (4).
Genome position (GRCh38, 1-based): chr1:243,256,220, A>G. VCF-style: chr1-243256220-A-G. GRCh37 (hg19) VCF-style: chr1-243419522-A-G.
Other names: c.-1066A>G (NM_001350246.2); c.-954A>G (NM_001350247.2); c.47A>G, p.Gln16Arg (NM_001350248.2); c.-261A>G (NM_001350249.2); c.-1327A>G (NM_001350251.2); short protein forms Q16R.
Identifiers: ClinVar variation 2634742 (VCV002634742.1), dbSNP rs935025969, ClinGen allele CA40436474.

ClinVar aggregate classification (germline): Uncertain significance (1 of 4 stars; one submission).

Conditions:
SDCCAG8-related disorder. Also called: SDCCAG8-related condition; SDCCAG8-Related Disorders.

Allele frequency attached by ClinVar (database versions not stated): TOPMed below 0.00001.

Submission:

PreventionGenetics, part of Exact Sciences
Classification: Uncertain significance for SDCCAG8-related condition. Last evaluated: 2023-10-11. Review status: criteria provided, single submitter. Criteria: ACMG Guidelines, 2015. Collection method: clinical testing. Allele origin: germline.
Comment: The SDCCAG8 c.47A>G variant is predicted to result in the amino acid substitution p.Gln16Arg. To our knowledge, this variant has not been reported in the literature or in a large population database, indicating this variant is rare. At this time, the clinical significance of this variant is uncertain due to the absence of conclusive functional and genetic evidence.